The following is an entry in ClinVar:

ClinVar aggregate classification (germline): Uncertain significance (1 of 4 stars; one submission).

Submission:

Ambry Genetics
Classification: Uncertain significance. Last evaluated: 2025-11-05. Review status: criteria provided, single submitter. Criteria: Ambry Variant Classification Scheme 2023. Collection method: clinical testing. Allele origin: germline.
Comment: The p.R1001L variant (also known as c.3002G>T), located in coding exon 11 of the WNK2 gene, results from a G to T substitution at nucleotide position 3002. The arginine at codon 1001 is replaced by leucine, an amino acid with dissimilar properties. This amino acid position is conserved. In addition, this alteration is predicted to be tolerated by in silico analysis. Based on the available evidence, the clinical significance of this variant remains unclear.

NM_006648.4(WNK2):c.3002G>T (p.Arg1001Leu)

Gene: WNK2 (WNK lysine deficient protein kinase 2; plus strand). Cytogenetic location: 9q22.31.
Variant type: single nucleotide variant.
Coding change: c.3002G>T on transcript NM_006648.4 (MANE Select); coding-DNA position 3002, G replaced by T.
Protein change: p.Arg1001Leu; replaces arginine 1001 with leucine.
Molecular consequence: missense variant.
Genome position (GRCh38, 1-based): chr9:93,259,550, G>T. VCF-style: chr9-93259550-G-T. GRCh37 (hg19) VCF-style: chr9-96021832-G-T.
Other names: c.3002G>T, p.Arg1001Leu (NM_001282394.3); short protein forms R1001L.
Identifiers: ClinVar variation 4605338 (VCV004605338.1).